The following is an entry in ClinVar:

NM_001371596.2(MFSD8):c.1010G>A (p.Arg337His)

Gene: MFSD8 (major facilitator superfamily domain containing 8; minus strand). Cytogenetic location: 4q28.2.
Variant type: single nucleotide variant.
Coding change: c.1010G>A on transcript NM_001371596.2 (MANE Select); coding-DNA position 1010, G replaced by A.
Protein change: p.Arg337His; replaces arginine 337 with histidine.
Molecular consequence: missense variant.
Genome position (GRCh38, 1-based): chr4:127,921,952, C>T on the plus strand (G>A on the coding strand, the complement: MFSD8 is on the minus strand). VCF-style: chr4-127921952-C-T. GRCh37 (hg19) VCF-style: chr4-128843107-C-T.
Other names: c.809G>A, p.Arg270His (NM_001363520.3); c.863G>A, p.Arg288His (NM_001371594.2); c.728G>A, p.Arg243His (NM_001371595.1); c.560G>A, p.Arg187His (NM_001410765.1); c.1010G>A, p.Arg337His (NM_152778.4, NM_001371591.2); c.695G>A, p.Arg232His (NM_001363521.3); c.875G>A, p.Arg292His (NM_001371590.2); c.1016G>A, p.Arg339His (NM_001371592.2); and 1 more; short protein forms R232H, R243H, R270H, R288H, R292H, R299H, R337H, R339H.
Identifiers: ClinVar variation 1002006 (VCV001002006.7), dbSNP rs200386040, ClinGen allele CA3077310.

ClinVar aggregate classification (germline): Uncertain significance. Review status: criteria provided, multiple submitters, no conflicts (2 of 4 stars). 4 submissions from 4 submitters: Uncertain significance (3). 1 of the submissions does not count toward it. Last evaluated 2025-05-29.

Conditions:
Late-infantile neuronal ceroid lipofuscinosis. Also called: Jansky-Bielschowsky disease. Identifiers: MedGen C0022340, MONDO:0015674.
Neuronal ceroid lipofuscinosis 7 (CLN7). Also called: MFSD8-Related Neuronal Ceroid-Lipofuscinosis. Identifiers: Orphanet 168491, Orphanet 228366, MedGen C1838571, MONDO:0012588, OMIM 610951.

Allele frequency attached by ClinVar (database versions not stated): TOPMed below 0.00001; gnomAD 0.00001; gnomAD exomes 0.00004; ExAC 0.00007.
gnomAD v4.1: 32 of 1,613,812 alleles (0.002%); highest among the groups gnomAD compares: Admixed American, 0.0083%; 1 homozygote.

Submissions (4):

Women's Health and Genetics/Laboratory Corporation of America, LabCorp
Classification: Uncertain significance. Last evaluated: 2025-05-29. Review status: criteria provided, single submitter. Criteria: LabCorp Variant Classification Summary - May 2015. Collection method: clinical testing. Allele origin: germline.
Comment: Variant summary: MFSD8 c.1010G>A (p.Arg337His) results in a non-conservative amino acid change in the encoded protein sequence. Algorithms developed to predict the effect of missense changes on protein structure and function all suggest that this variant is likely to be disruptive. The variant allele was found at a frequency of 3.6e-05 in 251102 control chromosomes. The available data on variant occurrences in the general population are insufficient to allow any conclusion about variant significance. c.1010G>A has been observed in the presumed compound heterozygous state in at least 1 individual(s) affected with retinitis pigmentosa (example, AbuElasal_2024). These data do not allow any conclusion about variant significance. To our knowledge, no experimental evidence demonstrating an impact on protein function has been reported. The following publication has been ascertained in the context of this evaluation (PMID: 39062705). ClinVar contains an entry for this variant (Variation ID: 1002006). Based on the evidence outlined above, the variant was classified as uncertain significance.

Labcorp Genetics (formerly Invitae), Labcorp
Classification: Uncertain significance for Neuronal ceroid lipofuscinosis 7. Last evaluated: 2024-10-25. Review status: criteria provided, single submitter. Criteria: Invitae Variant Classification Sherloc (09022015). Collection method: clinical testing. Allele origin: germline.
Comment: This sequence change replaces arginine, which is basic and polar, with histidine, which is basic and polar, at codon 337 of the MFSD8 protein (p.Arg337His). This variant is present in population databases (rs200386040, gnomAD 0.006%). This variant has not been reported in the literature in individuals affected with MFSD8-related conditions. ClinVar contains an entry for this variant (Variation ID: 1002006). Invitae Evidence Modeling of protein sequence and biophysical properties (such as structural, functional, and spatial information, amino acid conservation, physicochemical variation, residue mobility, and thermodynamic stability) indicates that this missense variant is not expected to disrupt MFSD8 protein function with a negative predictive value of 80%. In summary, the available evidence is currently insufficient to determine the role of this variant in disease. Therefore, it has been classified as a Variant of Uncertain Significance.

Blueprint Genetics
Classification: Uncertain significance. Last evaluated: 2024-04-05. Review status: criteria provided, single submitter. Criteria: ACMG Guidelines, 2015. Collection method: clinical testing. Allele origin: germline.

Natera, Inc.
Classification: Uncertain significance for Late-infantile neuronal ceroid lipofuscinosis. Last evaluated: 2020-08-17. Review status: no assertion criteria provided. Collection method: clinical testing. Allele origin: germline. Not counted in ClinVar's aggregate classification.

Literature cited by the submitters: PubMed 39062705 (cited by Women's Health and Genetics/Laboratory Corporation of America, LabCorp).